The following is an entry in ClinVar:

ClinVar aggregate classification (germline): Uncertain significance (1 of 4 stars; one submission).

Conditions:
46,XY sex reversal 1. Also called: SRY-related 46,XY complete gonadal dysgenesis; 46,XY SEX REVERSAL, SRY-RELATED. Identifiers: Orphanet 242, MedGen C2748896, MONDO:0020712, OMIM 400044.

Submission:

First Genomix Gene Laboratory, Genetic Diagnostics Department
Classification: Uncertain significance for 46,XY sex reversal 1. Last evaluated: 2025-07-21. Review status: criteria provided, single submitter. Criteria: ACMG Guidelines, 2015. Collection method: clinical testing. Allele origin: germline. Inheritance: Y-linked inheritance. Affected: yes. Observed: 1 variant allele.

NM_003140.3(SRY):c.314A>G (p.Glu105Gly)

Gene: SRY (sex determining region Y; minus strand). Cytogenetic location: Yp11.2.
Variant type: single nucleotide variant.
Coding change: c.314A>G on transcript NM_003140.3 (MANE Select); coding-DNA position 314, A replaced by G.
Protein change: p.Glu105Gly; replaces glutamic acid 105 with glycine.
Molecular consequence: missense variant.
Genome position (GRCh38, 1-based): chrY:2,787,290, T>C on the plus strand (A>G on the coding strand, the complement: SRY is on the minus strand). VCF-style: chrY-2787290-T-C. GRCh37 (hg19) VCF-style: chrY-2655331-T-C.
Other names: short protein forms E105G.
Identifiers: ClinVar variation 4849315 (VCV004849315.1).